The following is an entry in ClinVar:

ClinVar aggregate classification (germline): Uncertain significance (1 of 4 stars; one submission).

gnomAD v4.1: 1 of 1,578,806 alleles (0.000063%); highest among the groups gnomAD compares: Non-Finnish European, 0.000086%; no homozygotes.

Submission:

Labcorp Genetics (formerly Invitae), Labcorp
Classification: Uncertain significance. Last evaluated: 2024-05-01. Review status: criteria provided, single submitter. Criteria: Invitae Variant Classification Sherloc (09022015). Collection method: clinical testing. Allele origin: germline.
Comment: This sequence change replaces glycine, which is neutral and non-polar, with arginine, which is basic and polar, at codon 491 of the BCL11B protein (p.Gly491Arg). This variant is not present in population databases (gnomAD no frequency). This variant has not been reported in the literature in individuals affected with BCL11B-related conditions. Advanced modeling of protein sequence and biophysical properties (such as structural, functional, and spatial information, amino acid conservation, physicochemical variation, residue mobility, and thermodynamic stability) performed at Invitae indicates that this missense variant is not expected to disrupt BCL11B protein function with a negative predictive value of 80%. In summary, the available evidence is currently insufficient to determine the role of this variant in disease. Therefore, it has been classified as a Variant of Uncertain Significance.

NM_138576.4(BCL11B):c.1471G>A (p.Gly491Arg)

Gene: BCL11B (BCL11 transcription factor B; minus strand). Cytogenetic location: 14q32.2.
Variant type: single nucleotide variant.
Coding change: c.1471G>A on transcript NM_138576.4 (MANE Select); coding-DNA position 1471, G replaced by A.
Protein change: p.Gly491Arg; replaces glycine 491 with arginine.
Molecular consequence: missense variant.
Genome position (GRCh38, 1-based): chr14:99,175,365, C>T on the plus strand (G>A on the coding strand, the complement: BCL11B is on the minus strand). VCF-style: chr14-99175365-C-T. GRCh37 (hg19) VCF-style: chr14-99641702-C-T.
Other names: c.1468G>A, p.Gly490Arg (NM_001282237.2); c.1255G>A, p.Gly419Arg (NM_001282238.2); c.1258G>A, p.Gly420Arg (NM_022898.3); short protein forms G491R, G419R, G490R, G420R.
Identifiers: ClinVar variation 3651198 (VCV003651198.2).
Genomic context (GRCh38, chr14:99,175,365, plus strand): 5'-TGAGGCCCTCGCCCGCCAGCTCGCTGGTGCCGGGCTCGGGGGAGCTGGCGGCCGAGAGCC[C>T]GTCGTCGGAGCGGCCGGCCAGCGAGCCGGCCTTGTGCATGTGCGTCTTCATGTGGCGCTT-3'
Protein context (NP_612808.1, residues 481-501): AGSLAGRSDD[Gly491Arg]LSAASSPEPG